The following is an entry in ClinVar:

NM_003126.4(SPTA1):c.6417+5C>T

Gene: SPTA1 (spectrin alpha, erythrocytic 1; minus strand). Cytogenetic location: 1q23.1.
Variant type: single nucleotide variant.
Coding change: c.6417+5C>T on transcript NM_003126.4 (MANE Select); 5 bases into the intron after coding-DNA position 6417, C replaced by T.
Molecular consequence: intron variant.
Genome position (GRCh38, 1-based): chr1:158,620,165, G>A on the plus strand (C>T on the coding strand, the complement: SPTA1 is on the minus strand). VCF-style: chr1-158620165-G-A. GRCh37 (hg19) VCF-style: chr1-158589955-G-A.
Identifiers: ClinVar variation 2988524 (VCV002988524.3), dbSNP rs572565496, ClinGen allele CA1182013.

ClinVar aggregate classification (germline): Uncertain significance (1 of 4 stars; one submission).

Allele frequency attached by ClinVar (database versions not stated): ExAC 0.00001; TOPMed 0.00002; gnomAD 0.00003; 1000 Genomes Project 30x 0.00016; 1000 Genomes Project 0.00020.
gnomAD v4.1: 6 of 1,614,076 alleles (0.00037%); highest among the groups gnomAD compares: African/African-American, 0.008%; no homozygotes.

Submission:

Labcorp Genetics (formerly Invitae), Labcorp
Classification: Uncertain significance. Last evaluated: 2023-02-02. Review status: criteria provided, single submitter. Criteria: Invitae Variant Classification Sherloc (09022015). Collection method: clinical testing. Allele origin: germline.
Comment: In summary, the available evidence is currently insufficient to determine the role of this variant in disease. Therefore, it has been classified as a Variant of Uncertain Significance. Variants that disrupt the consensus splice site are a relatively common cause of aberrant splicing (PMID: 17576681, 9536098). Algorithms developed to predict the effect of sequence changes on RNA splicing suggest that this variant is not likely to affect RNA splicing. This variant has not been reported in the literature in individuals affected with SPTA1-related conditions. This variant is present in population databases (rs572565496, gnomAD 0.007%). This sequence change falls in intron 44 of the SPTA1 gene. It does not directly change the encoded amino acid sequence of the SPTA1 protein. It affects a nucleotide within the consensus splice site.

Literature cited by the submitters: PubMed 17576681; PubMed 9536098.